The following is an entry in ClinVar:

ClinVar aggregate classification (germline): Uncertain significance. Review status: criteria provided, multiple submitters, no conflicts (2 of 4 stars). 3 submissions from 3 submitters: Uncertain significance (3). Last evaluated 2026-03-10.

Conditions:
Arrhythmogenic right ventricular cardiomyopathy (ARVD). Also called: Cardiomyopathy, ARVC; Arrhythmogenic cardiomyopathy; Arrhythmogenic Right Ventricular Cardiomyopathy (ARVC); Arrhythmogenic right ventricular dysplasia. Identifiers: Orphanet 247, MedGen C0349788, MeSH D019571, MONDO:0016587. Disease mechanism: loss of function. Inheritance: Various modes of inheritance.
Cardiovascular phenotype. Identifiers: MedGen CN230736.
Arrhythmogenic right ventricular dysplasia 10. Also called: ARRHYTHMOGENIC RIGHT VENTRICULAR DYSPLASIA, FAMILIAL, 10; Arrhythmogenic Right Ventricular Dysplasia/Cardiomyopathy10; Arrhythmogenic right ventricular dysplasia/cardiomyopathy, type 10. Identifiers: MedGen C1857777, MONDO:0012434, OMIM 610193.

Submissions (3):

Ambry Genetics
Classification: Uncertain significance for Cardiovascular phenotype. Last evaluated: 2026-03-10. Review status: criteria provided, single submitter. Criteria: Ambry Variant Classification Scheme 2023. Collection method: clinical testing. Allele origin: germline.

All of Us Research Program, National Institutes of Health
Classification: Uncertain significance for Arrhythmogenic right ventricular cardiomyopathy. Last evaluated: 2023-12-18. Review status: criteria provided, single submitter. Criteria: ACMG Guidelines, 2015. Collection method: clinical testing. Allele origin: germline. Inheritance: Autosomal dominant inheritance. Observed: 1 variant allele, 1 heterozygote.
Comment: This missense variant replaces aspartic acid with glycine at codon 267 of the DSG2 protein. Computational prediction suggests that this variant may have deleterious impact on protein structure and function (internally defined REVEL score threshold >= 0.7, PMID: 27666373). To our knowledge, functional studies have not been reported for this variant. This variant has not been reported in individuals affected with DSG2-related disorders in the literature. This variant has not been identified in the general population by the Genome Aggregation Database (gnomAD). The available evidence is insufficient to determine the role of this variant in disease conclusively. Therefore, this variant is classified as a Variant of Uncertain Significance.

This study involves interpretation of variants in research participants for the purpose of population health screening. Participant phenotype was not available at the time of variant classification. Additional details can be found in publication PMID: 35346344, PMCID: PMC8962531

Labcorp Genetics (formerly Invitae), Labcorp
Classification: Uncertain significance for Arrhythmogenic right ventricular dysplasia 10. Last evaluated: 2022-05-02. Review status: criteria provided, single submitter. Criteria: Invitae Variant Classification Sherloc (09022015). Collection method: clinical testing. Allele origin: germline.
Comment: Algorithms developed to predict the effect of missense changes on protein structure and function (SIFT, PolyPhen-2, Align-GVGD) all suggest that this variant is likely to be disruptive. This variant has not been reported in the literature in individuals affected with DSG2-related conditions. This variant is not present in population databases (gnomAD no frequency). This sequence change replaces aspartic acid, which is acidic and polar, with glycine, which is neutral and non-polar, at codon 267 of the DSG2 protein (p.Asp267Gly). In summary, the available evidence is currently insufficient to determine the role of this variant in disease. Therefore, it has been classified as a Variant of Uncertain Significance.

NM_001943.5(DSG2):c.800A>G (p.Asp267Gly)

Gene: DSG2 (desmoglein 2; plus strand). Cytogenetic location: 18q12.1.
Variant type: single nucleotide variant.
Coding change: c.800A>G on transcript NM_001943.5 (MANE Select); coding-DNA position 800, A replaced by G.
Protein change: p.Asp267Gly; replaces aspartic acid 267 with glycine.
Molecular consequence: missense variant.
Genome position (GRCh38, 1-based): chr18:31,524,557, A>G. VCF-style: chr18-31524557-A-G. GRCh37 (hg19) VCF-style: chr18-29104520-A-G.
Other names: short protein forms D267G.
Identifiers: ClinVar variation 2127130 (VCV002127130.6), dbSNP rs2510912693, ClinGen allele CA402135215.
Genomic context (GRCh38, chr18:31,524,557, plus strand): 5'-AAGTTACAGACAAACCTGTAAAACAAGCTCAAGTTCAGATTCGTATTTTGGATGTCAATG[A>G]CAATATACCTGTAGTAGAAAATAAAGTGGTAACTATTATTCTTCTAATAACTGTACCTAT-3'
Protein context (NP_001934.2, residues 257-277): QVQIRILDVN[Asp267Gly]NIPVVENKVL